The following is an entry in ClinVar:

ClinVar aggregate classification (germline): Benign/Likely benign. Review status: criteria provided, multiple submitters, no conflicts (2 of 4 stars). 13 submissions from 13 submitters: Benign (5); Likely benign (3). 5 of the submissions do not count toward it. Last evaluated 2026-02-04.
ClinVar aggregate classification (oncogenicity): Uncertain significance (1 of 4 stars; one submission).

Conditions:
Noonan syndrome and Noonan-related syndrome. Identifiers: Orphanet 98733, MedGen C5681679, MONDO:0020297.
Familial long QT syndrome (RWS). Also called: Congenital long QT syndrome; Romano-Ward syndrome; VENTRICULAR FIBRILLATION WITH PROLONGED QT INTERVAL. Identifiers: Orphanet 768, MedGen C1141890, MONDO:0019171.
RASopathy. Also called: Noonan spectrum disorder; rasopathies. Identifiers: Orphanet 536391, MedGen C5555857, MONDO:0021060.
Inflammatory myofibroblastic tumor of the urinary bladder.

Submissions (14):

Department of Urology, Affiliated Hospital of Jining Medical University
Classification: Uncertain significance for Inflammatory myofibroblastic tumor of the urinary bladder. Last evaluated: 2026-08-17. Review status: criteria provided, single submitter. Criteria: ClinGen/CGC/VICC Guidelines for Oncogenicity, 2022. Collection method: research. Allele origin: somatic. Affected: yes. Observed: 1 variant allele.
Comment: Tumor-normal WES detected a BRAF splice-region insertion at VAF 22.5% and depth 40 reads; the variant was absent from matched peripheral blood. Although COSMIC annotation was present, this was not a canonical oncogenic BRAF hotspot mutation.

Reference genome used for genomic analysis: hg19/GRCh37.

Labcorp Genetics (formerly Invitae), Labcorp
Classification: Benign for RASopathy. Last evaluated: 2026-02-04. Review status: criteria provided, single submitter. Criteria: Invitae Variant Classification Sherloc (09022015). Collection method: clinical testing. Allele origin: germline.

Mayo Clinic Laboratories, Mayo Clinic
Classification: Likely benign. Last evaluated: 2025-08-20. Review status: criteria provided, single submitter. Criteria: ACMG Guidelines, 2015. Collection method: clinical testing. Allele origin: germline. Observed: 225 variant alleles.
Comment: BP4, BP7

Laboratory of Genetics, Children's Clinical University Hospital Latvia
Classification: Likely benign. Last evaluated: 2025-02-16. Review status: criteria provided, single submitter. Criteria: ACMG Guidelines, 2015. Collection method: clinical testing. Allele origin: germline. Affected: yes.

Blueprint Genetics
Classification: Likely benign. Last evaluated: 2024-11-27. Review status: criteria provided, single submitter. Criteria: ACMG Guidelines, 2015. Collection method: clinical testing. Allele origin: germline.

Genome Diagnostics Laboratory, The Hospital for Sick Children
Classification: Benign for Noonan syndrome and Noonan-related syndrome. Last evaluated: 2021-07-08. Review status: criteria provided, single submitter. Criteria: ACMG Guidelines, 2015. Collection method: clinical testing. Allele origin: germline.

Women's Health and Genetics/Laboratory Corporation of America, LabCorp
Classification: Benign. Last evaluated: 2019-10-10. Review status: criteria provided, single submitter. Criteria: LabCorp Variant Classification Summary - May 2015. Collection method: clinical testing. Allele origin: germline.
Comment: Variant summary: BRAF c.2128-5dupT alters a non-conserved nucleotide located close to a canonical splice site and therefore could affect mRNA splicing, leading to a significantly altered protein sequence. 4/4 computational tools predict no significant impact on normal splicing. However, these predictions have yet to be confirmed by functional studies. The variant was absent in 151920 control chromosomes. However, multiple benign variants have been found in this polyT region. Three clinical diagnostic laboratories have submitted clinical-significance assessments for this variant to ClinVar after 2014 without evidence for independent evaluation (2x benign, 1x VUS). Based on the evidence outlined above, the variant was classified as benign.

Genomic Diagnostic Laboratory, Division of Genomic Diagnostics, Children's Hospital of Philadelphia
Classification: Benign. Last evaluated: 2015-06-26. Review status: criteria provided, single submitter. Criteria: DGD Variant Analysis Guidelines. Collection method: clinical testing. Allele origin: unknown.

Eurofins Ntd Llc (ga)
Classification: Benign. Last evaluated: 2014-09-05. Review status: criteria provided, single submitter. Criteria: EGL Classification Definitions. Collection method: clinical testing. Allele origin: germline. Observed: 7 variant alleles, 7 heterozygotes.

Laboratory for Molecular Medicine, Mass General Brigham Personalized Medicine
No classification provided. Last evaluated: 2014-03-13. Review status: no classification provided. Collection method: clinical testing. Allele origin: germline. Observed: 14 variant alleles. Not counted in ClinVar's aggregate classification.
Comment: 2128-5_2128-4insT in intron 17 of BRAF: This variant is not expected to have clinical significance because it shifts but does not alter the splice consensus sequence.

Clinical Genetics DNA and cytogenetics Diagnostics Lab, Erasmus MC, Erasmus Medical Center
Classification: Likely benign. Review status: no assertion criteria provided. Collection method: clinical testing. Allele origin: germline. Affected: yes. Study: VKGL Data-share Consensus. Not counted in ClinVar's aggregate classification.

Clinical Genetics, Academic Medical Center
Classification: Benign. Review status: no assertion criteria provided. Collection method: clinical testing. Allele origin: germline. Affected: yes. Study: VKGL Data-share Consensus. Not counted in ClinVar's aggregate classification.

Genetics and Genomics Program, Sidra Medicine
Classification: Uncertain significance for Isolated congenital long QT syndrome. Review status: no assertion criteria provided. Collection method: research. Allele origin: unknown. Affected: yes. Not counted in ClinVar's aggregate classification.
Comment: The c.2128-5dupT variant in BRAF affects the splice region and is not reported in population databases like gnomAD, indicating rarity. However, there is currently insufficient evidence regarding its impact on splicing or its clinical significance. Due to the lack of supporting data, this variant is classified as a VUS.

Laboratory of Diagnostic Genome Analysis, Leiden University Medical Center (LUMC)
Classification: Likely benign. Review status: no assertion criteria provided. Collection method: clinical testing. Allele origin: germline. Affected: yes. Study: VKGL Data-share Consensus. Not counted in ClinVar's aggregate classification.

NM_004333.6(BRAF):c.2128-5dup

Gene: BRAF (B-Raf proto-oncogene, serine/threonine kinase; minus strand). Cytogenetic location: 7q34.
Variant type: Duplication.
Coding change: c.2128-5dup on transcript NM_004333.6 (MANE Select); 5 bases into the intron before coding-DNA position 2128, one base duplicated (T; older notation c.2128-5dupT).
Molecular consequence: intron variant.
Genome position (GRCh38, 1-based): chr7:140,734,775, A duplicated on the plus strand (T on the coding strand, the reverse complement: BRAF is on the minus strand); the first of 11 consecutive A bases (chr7:140,734,775-140,734,785); duplicating any one gives the same sequence. VCF-style (leftmost placement, unchanged base first): chr7-140734774-C-CA. GRCh37 (hg19) VCF-style: chr7-140434574-C-CA.
Other names: p.?; c.2128-5dupT (NM_004333.4, NM_004333.6); c.2127+5037dup (NM_001378474.1, NM_001378468.1); c.2026-5dup (NM_001378470.1); c.1864-5dup (NM_001378475.1); c.2017-5dup (NM_001378471.1); c.2128-5dup (NM_001354609.2); c.2248-5dup (NM_001374258.1, NM_001374244.1); and 3 more.
Identifiers: ClinVar variation 44820 (VCV000044820.35), dbSNP rs373442098, ClinGen allele CA248637.